The following is an entry in ClinVar:

NM_001122681.2(SH3BP2):c.182T>C (p.Phe61Ser)

Gene: SH3BP2 (SH3 domain binding protein 2; plus strand). Cytogenetic location: 4p16.3.
Variant type: single nucleotide variant.
Coding change: c.182T>C on transcript NM_001122681.2 (MANE Select); coding-DNA position 182, T replaced by C.
Protein change: p.Phe61Ser; replaces phenylalanine 61 with serine.
Molecular consequence: missense variant.
Genome position (GRCh38, 1-based): chr4:2,822,980, T>C. VCF-style: chr4-2822980-T-C. GRCh37 (hg19) VCF-style: chr4-2824707-T-C.
Other names: c.266T>C, p.Phe89Ser (NM_001145855.2); c.353T>C, p.Phe118Ser (NM_001145856.2); c.182T>C, p.Phe61Ser (NM_003023.4); short protein forms F118S, F61S, F89S.
Identifiers: ClinVar variation 3440970 (VCV003440970.3).

ClinVar aggregate classification (germline): Uncertain significance. Review status: criteria provided, multiple submitters, no conflicts (2 of 4 stars). 2 submissions from 2 submitters: Uncertain significance (2). Last evaluated 2025-10-21.

Conditions:
Inborn genetic diseases. Identifiers: MedGen C0950123, MeSH D030342.
Fibrous dysplasia of jaw (CRBM). Also called: Cherubism. Identifiers: Orphanet 184, MedGen C0008029, MONDO:0007315, OMIM 118400.

gnomAD v4.1: 19 of 1,613,950 alleles (0.0012%); highest among the groups gnomAD compares: Non-Finnish European, 0.0014%; no homozygotes.

Submissions (2):

Labcorp Genetics (formerly Invitae), Labcorp
Classification: Uncertain significance for Fibrous dysplasia of jaw. Last evaluated: 2025-10-21. Review status: criteria provided, single submitter. Criteria: Invitae Variant Classification Sherloc (09022015). Collection method: clinical testing. Allele origin: germline.
Comment: This sequence change replaces phenylalanine, which is neutral and non-polar, with serine, which is neutral and polar, at codon 61 of the SH3BP2 protein (p.Phe61Ser). This variant is not present in population databases (gnomAD no frequency). This variant has not been reported in the literature in individuals affected with SH3BP2-related conditions. ClinVar contains an entry for this variant (Variation ID: 3440970). Invitae Evidence Modeling of protein sequence and biophysical properties (such as structural, functional, and spatial information, amino acid conservation, physicochemical variation, residue mobility, and thermodynamic stability) indicates that this missense variant is not expected to disrupt SH3BP2 protein function with a negative predictive value of 95%. In summary, the available evidence is currently insufficient to determine the role of this variant in disease. Therefore, it has been classified as a Variant of Uncertain Significance.

Ambry Genetics
Classification: Uncertain significance for Inborn genetic diseases. Last evaluated: 2024-11-07. Review status: criteria provided, single submitter. Criteria: Ambry Variant Classification Scheme 2023. Collection method: clinical testing. Allele origin: germline.